The following is an entry in ClinVar:

ClinVar aggregate classification (germline): Pathogenic (1 of 4 stars; one submission).

Submission:

Labcorp Genetics (formerly Invitae), Labcorp
Classification: Pathogenic. Last evaluated: 2023-05-26. Review status: criteria provided, single submitter. Criteria: Invitae Variant Classification Sherloc (09022015). Collection method: clinical testing. Allele origin: germline.
Comment: For these reasons, this variant has been classified as Pathogenic. This variant disrupts a region of the RP2 protein in which other variant(s) (p.Ser6del) have been determined to be pathogenic (PMID: 9697692, 10942419, 17724181, 28209709; Invitae). This suggests that this is a clinically significant region of the protein, and that variants that disrupt it are likely to be disease-causing. This variant has not been reported in the literature in individuals affected with RP2-related conditions. This variant is not present in population databases (gnomAD no frequency). This sequence change affects the initiator methionine of the RP2 mRNA. The next in-frame methionine is located at codon 41.

Literature cited by the submitters: PubMed 9697692; PubMed 10942419; PubMed 17724181; PubMed 28209709.

NM_006915.3(RP2):c.-1_18del (p.Met1fs)

Genes: RP2 (RP2 activator of ARL3 GTPase; plus strand), LOC130068202 (ATAC-STARR-seq lymphoblastoid active region 29577; plus strand). Cytogenetic location: Xp11.3.
Variant type: Deletion.
Coding change: c.-1_18del on transcript NM_006915.3 (MANE Select); 1 bases upstream of the start codon through coding-DNA position 18, 19 bases deleted (CATGGGCTGCTTCTTCTCC).
Protein change: p.Met1fs; shifts the reading frame from methionine 1.
Molecular consequence: frameshift variant, initiator codon variant.
Genome position (GRCh38, 1-based): chrX:46,837,100-46,837,118, CATGGGCTGCTTCTTCTCC deleted; deleting any 19 consecutive bases within chrX:46,837,099-46,837,118 gives the same sequence; the c. name uses the placement nearest the transcript's 3' end. VCF-style (leftmost placement, unchanged base first): chrX-46837098-ACCATGGGCTGCTTCTTCTC-A. GRCh37 (hg19) VCF-style: chrX-46696533-ACCATGGGCTGCTTCTTCTC-A.
Other names: short protein forms M1fs.
Identifiers: ClinVar variation 2728412 (VCV002728412.3), dbSNP rs2519901935, ClinGen allele CA2697553094.